The following is an entry in ClinVar:

ClinVar aggregate classification (germline): Uncertain significance (1 of 4 stars; one submission).

Conditions:
Non-syndromic intellectual disability. Also called: Mental retardation non-syndromic. Identifiers: MedGen CN280315, MONDO:0000509.

gnomAD v4.1: 1 of 1,613,770 alleles (0.000062%); no homozygotes.

Submission:

Molecular Genetics, Royal Melbourne Hospital
Classification: Uncertain significance for Non-syndromic intellectual disability. Last evaluated: 2024-08-05. Review status: criteria provided, single submitter. Criteria: ACMG Guidelines, 2015. Collection method: clinical testing. Allele origin: germline. Inheritance: Autosomal dominant inheritance. Affected: yes.
Comment: This sequence change in SRCAP is predicted to replace asparagine with serine at codon 1237, p.(Asn1237Ser). The asparagine residue is moderately conserved (100 vertebrates, Multiz Alignments), and is not located in an annotated domain. There is a small physicochemical difference between asparagine and serine. SRCAP, in which the variant was identified, is a gene with significant constraint for missense variation and where pathogenic missense variants have been reported as disease causing (gnomAD v4.1; ClinVar). This variant is present in a single individual from the Ashkenazi Jewish population in gnomAD v4.1 (1/1,613,770 alleles globally). To our knowledge, this variant is novel and has not been previously reported in the relevant scientific literature or databases. Computational evidence is uninformative for the missense substitution (REVEL = 0.318). Based on the classification scheme RMH Modified ACMG/AMP Guidelines v1.7.0, this variant is classified as a VARIANT OF UNCERTAIN SIGNIFICANCE. Following criteria are met: PM2_Supporting, PP2.

NM_006662.3(SRCAP):c.3710A>G (p.Asn1237Ser)

Gene: SRCAP (Snf2 related CREBBP activator protein; plus strand). Cytogenetic location: 16p11.2.
Variant type: single nucleotide variant.
Coding change: c.3710A>G on transcript NM_006662.3 (MANE Select); coding-DNA position 3710, A replaced by G.
Protein change: p.Asn1237Ser; replaces asparagine 1237 with serine.
Molecular consequence: missense variant.
Genome position (GRCh38, 1-based): chr16:30,722,566, A>G. VCF-style: chr16-30722566-A-G. GRCh37 (hg19) VCF-style: chr16-30733887-A-G.
Other names: short protein forms N1237S.
Identifiers: ClinVar variation 3773796 (VCV003773796.1).
Genomic context (GRCh38, chr16:30,722,566, plus strand): 5'-TGCCCTCCTCAGGCTGATAGCTGCTTCTCTCTCTCTTTCTCTCTTCCCTTAACCCAGGGA[A>G]TGTGGTGCACCTCGTGTCAGCAGGGGGGCAGCACCATCTCATCAGCCAGCCTGCCCATGT-3'
Protein context (NP_006653.2, residues 1227-1247): AVGQPRPLQR[Asn1237Ser]VVHLVSAGGQ